The following is an entry in ClinVar:

ClinVar aggregate classification (germline): Uncertain significance (1 of 4 stars; one submission).

Conditions:
Juvenile polyposis syndrome (JPS). Identifiers: Orphanet 2929, MedGen C0345893, MONDO:0017380, OMIM 174900.

Submission:

Labcorp Genetics (formerly Invitae), Labcorp
Classification: Uncertain significance for Juvenile polyposis syndrome. Last evaluated: 2023-02-26. Review status: criteria provided, single submitter. Criteria: Invitae Variant Classification Sherloc (09022015). Collection method: clinical testing. Allele origin: germline.
Comment: In summary, the available evidence is currently insufficient to determine the role of this variant in disease. Therefore, it has been classified as a Variant of Uncertain Significance. An algorithm developed to predict the effect of missense changes on protein structure and function (PolyPhen-2) suggests that this variant is likely to be disruptive. This variant has not been reported in the literature in individuals affected with SMAD4-related conditions. This variant is not present in population databases (gnomAD no frequency). This sequence change replaces tryptophan, which is neutral and slightly polar, with cysteine, which is neutral and slightly polar, at codon 302 of the SMAD4 protein (p.Trp302Cys).

NM_005359.6(SMAD4):c.906G>C (p.Trp302Cys)

Gene: SMAD4 (SMAD family member 4; plus strand). Cytogenetic location: 18q21.2.
Variant type: single nucleotide variant.
Coding change: c.906G>C on transcript NM_005359.6 (MANE Select); coding-DNA position 906, G replaced by C.
Protein change: p.Trp302Cys; replaces tryptophan 302 with cysteine.
Molecular consequence: missense variant. On other transcripts: non-coding transcript variant (2).
Genome position (GRCh38, 1-based): chr18:51,059,867, G>C. VCF-style: chr18-51059867-G-C. GRCh37 (hg19) VCF-style: chr18-48586237-G-C.
Other names: c.906G>C, p.Trp302Cys (NM_001407041.1, NM_001407042.1, NM_001407043.1); short protein forms W302C.
Identifiers: ClinVar variation 2841139 (VCV002841139.3), dbSNP rs878854769, ClinGen allele CA402463638.